The following is an entry in ClinVar:

ClinVar aggregate classification (germline): Uncertain significance (1 of 4 stars; one submission).

Conditions:
Mitochondrial hypertrophic cardiomyopathy with lactic acidosis due to MTO1 deficiency. Also called: CARDIOMYOPATHY, INFANTILE HYPERTROPHIC MITOCHONDRIAL, AND LACTIC ACIDOSIS; Combined oxidative phosphorylation deficiency 10. Identifiers: Orphanet 314637, MedGen C4749921, MONDO:0013865, OMIM 614702.

Allele frequency attached by ClinVar (database versions not stated): gnomAD exomes below 0.00001.
gnomAD v4.1: 4 of 1,613,982 alleles (0.00025%); highest among the groups gnomAD compares: Non-Finnish European, 0.00025%; no homozygotes.

Submission:

Labcorp Genetics (formerly Invitae), Labcorp
Classification: Uncertain significance for Mitochondrial hypertrophic cardiomyopathy with lactic acidosis due to MTO1 deficiency. Last evaluated: 2022-03-18. Review status: criteria provided, single submitter. Criteria: Invitae Variant Classification Sherloc (09022015). Collection method: clinical testing. Allele origin: germline.
Comment: This sequence change replaces serine, which is neutral and polar, with proline, which is neutral and non-polar, at codon 393 of the MTO1 protein (p.Ser393Pro). In summary, the available evidence is currently insufficient to determine the role of this variant in disease. Therefore, it has been classified as a Variant of Uncertain Significance. Algorithms developed to predict the effect of missense changes on protein structure and function are either unavailable or do not agree on the potential impact of this missense change (SIFT: "Deleterious"; PolyPhen-2: "Possibly Damaging"; Align-GVGD: "Class C0"). This variant has not been reported in the literature in individuals affected with MTO1-related conditions. This variant is present in population databases (no rsID available, gnomAD 0.0009%).

NM_012123.4(MTO1):c.1177T>C (p.Ser393Pro)

Gene: MTO1 (mitochondrial tRNA translation optimization 1; plus strand). Cytogenetic location: 6q13.
Variant type: single nucleotide variant.
Coding change: c.1177T>C on transcript NM_012123.4 (MANE Select); coding-DNA position 1177, T replaced by C.
Protein change: p.Ser393Pro; replaces serine 393 with proline.
Molecular consequence: missense variant.
Genome position (GRCh38, 1-based): chr6:73,480,722, T>C. VCF-style: chr6-73480722-T-C. GRCh37 (hg19) VCF-style: chr6-74190445-T-C.
Other names: c.1177T>C, p.Ser393Pro (NM_001123226.2); c.1252T>C, p.Ser418Pro (NM_133645.3); short protein forms S418P, S393P.
Identifiers: ClinVar variation 1362849 (VCV001362849.6), dbSNP rs1172201357, ClinGen allele CA364715334.